The following is an entry in ClinVar:

NM_033022.4(RPS24):c.160G>A (p.Val54Ile)

Gene: RPS24 (ribosomal protein S24; plus strand). Cytogenetic location: 10q22.3.
Variant type: single nucleotide variant.
Coding change: c.160G>A on transcript NM_033022.4 (MANE Select); coding-DNA position 160, G replaced by A.
Protein change: p.Val54Ile; replaces valine 54 with isoleucine.
Molecular consequence: missense variant.
Genome position (GRCh38, 1-based): chr10:78,035,601, G>A. VCF-style: chr10-78035601-G-A. GRCh37 (hg19) VCF-style: chr10-79795359-G-A.
Other names: c.160G>A, p.Val54Ile (NM_001026.5, NM_001142282.2, NM_001142283.2 and 2 more transcripts); short protein forms V54I.
Identifiers: ClinVar variation 2742040 (VCV002742040.3), dbSNP rs2493281380, ClinGen allele CA377328611.

ClinVar aggregate classification (germline): Uncertain significance (1 of 4 stars; one submission).

Conditions:
Diamond-Blackfan anemia. Also called: Blackfan Diamond syndrome; Aregenerative anemia chronic congenital; Red cell aplasia, pure hereditary; Congenital hypoplastic anemia; Aase syndrome. Identifiers: Orphanet 124, MedGen C1260899, MeSH D029503, MONDO:0015253, HP:0004810.

Submission:

Labcorp Genetics (formerly Invitae), Labcorp
Classification: Uncertain significance for Diamond-Blackfan anemia. Last evaluated: 2023-07-25. Review status: criteria provided, single submitter. Criteria: Invitae Variant Classification Sherloc (09022015). Collection method: clinical testing. Allele origin: germline.
Comment: This sequence change replaces valine, which is neutral and non-polar, with isoleucine, which is neutral and non-polar, at codon 54 of the RPS24 protein (p.Val54Ile). This variant is not present in population databases (gnomAD no frequency). This variant has not been reported in the literature in individuals affected with RPS24-related conditions. An algorithm developed to predict the effect of missense changes on protein structure and function (PolyPhen-2) suggests that this variant is likely to be tolerated. In summary, the available evidence is currently insufficient to determine the role of this variant in disease. Therefore, it has been classified as a Variant of Uncertain Significance.